The following is an entry in ClinVar:

NM_002661.5(PLCG2):c.871C>G (p.Leu291Val)

Gene: PLCG2 (phospholipase C gamma 2; plus strand). Cytogenetic location: 16q23.3.
Variant type: single nucleotide variant.
Coding change: c.871C>G on transcript NM_002661.5 (MANE Select); coding-DNA position 871, C replaced by G.
Protein change: p.Leu291Val; replaces leucine 291 with valine.
Molecular consequence: missense variant.
Genome position (GRCh38, 1-based): chr16:81,891,475, C>G. VCF-style: chr16-81891475-C-G. GRCh37 (hg19) VCF-style: chr16-81925080-C-G.
Other names: c.871C>G, p.Leu291Val (NM_001425749.1, NM_001425750.1, NM_001425751.1); short protein forms L291V.
Identifiers: ClinVar variation 2805096 (VCV002805096.4), dbSNP rs1908630695, ClinGen allele CA396897887.
Genomic context (GRCh38, chr16:81,891,475, plus strand): 5'-CAGACACCATCCTGCCCGTCAACGTGATGATTCGGTCTTCGTGTTTGACTCTTTTAGTTC[C>G]TCACGTACCTGTTTTCACGAGAAAACAGCATCTGGGATGAGAAGTATGACGCGGTGGACA-3'
Protein context (NP_002652.2, residues 281-301): AEPFLFVDEF[Leu291Val]TYLFSRENSI

ClinVar aggregate classification (germline): Uncertain significance. Review status: criteria provided, multiple submitters, no conflicts (2 of 4 stars). 2 submissions from 2 submitters: Uncertain significance (2). Last evaluated 2025-08-27.

Conditions:
Familial cold autoinflammatory syndrome 3 (FCAS3). Also called: FAMILIAL ATYPICAL COLD URTICARIA; ANTIBODY DEFICIENCY AND IMMUNE DYSREGULATION, PLCG2-ASSOCIATED. Identifiers: Orphanet 300359, MedGen C3280914, MONDO:0013766, OMIM 614468.
Inborn genetic diseases. Identifiers: MedGen C0950123, MeSH D030342.

Allele frequency attached by ClinVar (database versions not stated): gnomAD exomes below 0.00001.
gnomAD v4.1: 1 of 1,557,366 alleles (0.000064%); highest among the groups gnomAD compares: Admixed American, 0.0017%; no homozygotes.

Submissions (2):

Ambry Genetics
Classification: Uncertain significance for Inborn genetic diseases. Last evaluated: 2025-08-27. Review status: criteria provided, single submitter. Criteria: Ambry Variant Classification Scheme 2023. Collection method: clinical testing. Allele origin: germline.

Labcorp Genetics (formerly Invitae), Labcorp
Classification: Uncertain significance for Familial cold autoinflammatory syndrome 3. Last evaluated: 2024-08-09. Review status: criteria provided, single submitter. Criteria: Invitae Variant Classification Sherloc (09022015). Collection method: clinical testing. Allele origin: germline.
Comment: This sequence change replaces leucine, which is neutral and non-polar, with valine, which is neutral and non-polar, at codon 291 of the PLCG2 protein (p.Leu291Val). This variant is not present in population databases (gnomAD no frequency). This variant has not been reported in the literature in individuals affected with PLCG2-related conditions. An algorithm developed to predict the effect of missense changes on protein structure and function (PolyPhen-2) suggests that this variant is likely to be disruptive. In summary, the available evidence is currently insufficient to determine the role of this variant in disease. Therefore, it has been classified as a Variant of Uncertain Significance.